The following is an entry in ClinVar:

NM_198129.4(LAMA3):c.6764dup (p.Thr2256fs)

Gene: LAMA3 (laminin subunit alpha 3; plus strand). Cytogenetic location: 18q11.2.
Variant type: Duplication.
Coding change: c.6764dup on transcript NM_198129.4 (MANE Select); coding-DNA position 6764, one base duplicated (T; older notation c.6764dupT).
Protein change: p.Thr2256fs; shifts the reading frame from threonine 2256.
Molecular consequence: frameshift variant.
Genome position (GRCh38, 1-based): chr18:23,907,595, T duplicated. VCF-style (leftmost placement, unchanged base first): chr18-23907594-G-GT. GRCh37 (hg19) VCF-style: chr18-21487558-G-GT.
Other names: c.1937dup, p.Thr647fs (NM_000227.6); c.6596dup, p.Thr2200fs (NM_001127717.4); c.1769dup, p.Thr591fs (NM_001127718.4); short protein forms T2200fs, T2256fs, T591fs, T647fs.
Identifiers: ClinVar variation 2034639 (VCV002034639.4), dbSNP rs753166836, ClinGen allele CA8916479.

ClinVar aggregate classification (germline): Pathogenic (1 of 4 stars; one submission).

Allele frequency attached by ClinVar (database versions not stated): gnomAD exomes below 0.00001; ExAC 0.00001.

Submission:

Labcorp Genetics (formerly Invitae), Labcorp
Classification: Pathogenic. Last evaluated: 2022-10-07. Review status: criteria provided, single submitter. Criteria: Invitae Variant Classification Sherloc (09022015). Collection method: clinical testing. Allele origin: germline.
Comment: This sequence change creates a premature translational stop signal (p.Thr647Aspfs*25) in the LAMA3 gene. It is expected to result in an absent or disrupted protein product. Loss-of-function variants in LAMA3 are known to be pathogenic (PMID: 10366601, 11810295, 12915477, 16473856, 17362460, 22434185, 23869449, 27827380, 28087116). This variant is present in population databases (rs753166836, gnomAD 0.003%). This variant has not been reported in the literature in individuals affected with LAMA3-related conditions. For these reasons, this variant has been classified as Pathogenic.

Literature cited by the submitters: PubMed 10366601; PubMed 11810295; PubMed 12915477; PubMed 16473856; PubMed 17362460; PubMed 22434185; PubMed 23869449; PubMed 27827380; PubMed 28087116.